The following is an entry in ClinVar:

NM_015100.4(POGZ):c.3873A>G (p.Ala1291=)

Gene: POGZ (pogo transposable element derived with ZNF domain; minus strand). Cytogenetic location: 1q21.3.
Variant type: single nucleotide variant.
Coding change: c.3873A>G on transcript NM_015100.4 (MANE Select); coding-DNA position 3873, A replaced by G.
Protein change: p.Ala1291=; no amino-acid change (alanine 1291 retained).
Molecular consequence: synonymous variant.
Genome position (GRCh38, 1-based): chr1:151,405,162, T>C on the plus strand (A>G on the coding strand, the complement: POGZ is on the minus strand). VCF-style: chr1-151405162-T-C. GRCh37 (hg19) VCF-style: chr1-151377638-T-C.
Other names: c.3846A>G, p.Ala1282= (NM_001194937.2); c.3687A>G, p.Ala1229= (NM_001194938.2); c.3894A>G, p.Ala1298= (NM_001410860.1); c.3588A>G, p.Ala1196= (NM_145796.4); c.3714A>G, p.Ala1238= (NM_207171.2).
Identifiers: ClinVar variation 4535000 (VCV004535000.6).

ClinVar aggregate classification (germline): Likely benign (1 of 4 stars; one submission).

gnomAD v4.1: 2 of 1,614,198 alleles (0.00012%); highest among the groups gnomAD compares: East Asian, 0.0022%; no homozygotes.

Submission:

CeGaT Center for Human Genetics Tuebingen
Classification: Likely benign. Last evaluated: 2025-10-01. Review status: criteria provided, single submitter. Criteria: CeGaT Center For Human Genetics Tuebingen Variant Classification Criteria Version 2. Collection method: clinical testing. Allele origin: germline. Affected: yes. Observed: 1 variant allele.
Comment: POGZ: BP4, BP7